The following is an entry in ClinVar:

NM_032040.5(CCDC8):c.1453C>T (p.Arg485Cys)

Gene: CCDC8 (coiled-coil domain containing 8; minus strand). Cytogenetic location: 19q13.32.
Variant type: single nucleotide variant.
Coding change: c.1453C>T on transcript NM_032040.5 (MANE Select); coding-DNA position 1453, C replaced by T.
Protein change: p.Arg485Cys; replaces arginine 485 with cysteine.
Molecular consequence: missense variant.
Genome position (GRCh38, 1-based): chr19:46,411,358, G>A on the plus strand (C>T on the coding strand, the complement: CCDC8 is on the minus strand). VCF-style: chr19-46411358-G-A. GRCh37 (hg19) VCF-style: chr19-46914615-G-A.
Other names: short protein forms R485C.
Identifiers: ClinVar variation 1349039 (VCV001349039.4), dbSNP rs199580829, ClinGen allele CA9528483.
Genomic context (GRCh38, chr19:46,411,358, plus strand): 5'-GGGTTGGCAACCGGGGAGTGTGCCAGAAGGCTCTCCGGCGCTTGCAAAACCACGAAAAGC[G>A]TCCAGGGGTCTGGAACCTCACTGTCTTGACCTGTTTCCGGGCCCTGGCTCCTGGAGCTGT-3'
Protein context (NP_114429.2, residues 475-495): VKTVRFQTPG[Arg485Cys]FSWFCKRRRA

ClinVar aggregate classification (germline): Uncertain significance (1 of 4 stars; one submission).

Allele frequency attached by ClinVar (database versions not stated): ESP Exome Variant Server 0.00008; 1000 Genomes Project 30x 0.00016; gnomAD 0.00018 and 0.00019; TOPMed 0.00019.

Submission:

Labcorp Genetics (formerly Invitae), Labcorp
Classification: Uncertain significance. Last evaluated: 2023-10-30. Review status: criteria provided, single submitter. Criteria: Invitae Variant Classification Sherloc (09022015). Collection method: clinical testing. Allele origin: germline.
Comment: This sequence change replaces arginine, which is basic and polar, with cysteine, which is neutral and slightly polar, at codon 485 of the CCDC8 protein (p.Arg485Cys). This variant is present in population databases (rs199580829, gnomAD 0.02%). This variant has not been reported in the literature in individuals affected with CCDC8-related conditions. ClinVar contains an entry for this variant (Variation ID: 1349039). An algorithm developed to predict the effect of missense changes on protein structure and function (PolyPhen-2) suggests that this variant is likely to be disruptive. In summary, the available evidence is currently insufficient to determine the role of this variant in disease. Therefore, it has been classified as a Variant of Uncertain Significance.